The following is an entry in ClinVar:

ClinVar aggregate classification (germline): Uncertain significance (1 of 4 stars; one submission).

Submission:

Labcorp Genetics (formerly Invitae), Labcorp
Classification: Uncertain significance. Last evaluated: 2020-02-17. Review status: criteria provided, single submitter. Criteria: Invitae Variant Classification Sherloc (09022015). Collection method: clinical testing. Allele origin: germline.
Comment: This sequence change replaces arginine with glycine at codon 2152 of the NSD1 protein (p.Arg2152Gly). The arginine residue is highly conserved and there is a moderate physicochemical difference between arginine and glycine. This variant is not present in population databases (ExAC no frequency). This variant has been observed in individual(s) with clinical features of Sotos syndrome (Invitae). Algorithms developed to predict the effect of missense changes on protein structure and function are either unavailable or do not agree on the potential impact of this missense change (SIFT: "Deleterious"; PolyPhen-2: "Possibly Damaging"; Align-GVGD: "Class C0"). In summary, the available evidence is currently insufficient to determine the role of this variant in disease. Therefore, it has been classified as a Variant of Uncertain Significance.

NM_022455.5(NSD1):c.6454C>G (p.Arg2152Gly)

Gene: NSD1 (nuclear receptor binding SET domain protein 1; plus strand). Cytogenetic location: 5q35.3.
Variant type: single nucleotide variant.
Coding change: c.6454C>G on transcript NM_022455.5 (MANE Select); coding-DNA position 6454, C replaced by G.
Protein change: p.Arg2152Gly; replaces arginine 2152 with glycine.
Molecular consequence: missense variant.
Genome position (GRCh38, 1-based): chr5:177,292,149, C>G. VCF-style: chr5-177292149-C-G. GRCh37 (hg19) VCF-style: chr5-176719150-C-G.
Other names: c.5581C>G, p.Arg1861Gly (NM_001365684.2, NM_001409308.1, NM_172349.5); c.6454C>G, p.Arg2152Gly (NM_001409301.1, NM_001409302.1, NM_001409303.1); c.6034C>G, p.Arg2012Gly (NM_001409304.1); c.5701C>G, p.Arg1901Gly (NM_001409305.1); c.5692C>G, p.Arg1898Gly (NM_001409306.1, NM_001409307.1); c.5332C>G, p.Arg1778Gly (NM_001409309.1); short protein forms R1883G, R2152G, R1778G, R1861G, R1901G, R2012G, R1898G.
Identifiers: ClinVar variation 1022561 (VCV001022561.10), dbSNP rs587784199, ClinGen allele CA362321132.